The following is an entry in ClinVar:

ClinVar aggregate classification (germline): Uncertain significance (1 of 4 stars; one submission).

Allele frequency attached by ClinVar (database versions not stated): gnomAD exomes below 0.00001; TOPMed below 0.00001.

Submission:

Labcorp Genetics (formerly Invitae), Labcorp
Classification: Uncertain significance. Last evaluated: 2024-12-03. Review status: criteria provided, single submitter. Criteria: Invitae Variant Classification Sherloc (09022015). Collection method: clinical testing. Allele origin: germline.
Comment: This sequence change replaces glutamic acid, which is acidic and polar, with lysine, which is basic and polar, at codon 152 of the KIAA0556 protein (p.Glu152Lys). This variant is not present in population databases (gnomAD no frequency). This variant has not been reported in the literature in individuals affected with KIAA0556-related conditions. ClinVar contains an entry for this variant (Variation ID: 2117153). An algorithm developed to predict the effect of missense changes on protein structure and function (PolyPhen-2) suggests that this variant is likely to be tolerated. In summary, the available evidence is currently insufficient to determine the role of this variant in disease. Therefore, it has been classified as a Variant of Uncertain Significance.

NM_015202.5(KATNIP):c.454G>A (p.Glu152Lys)

Gene: KATNIP (katanin interacting protein; plus strand). Cytogenetic location: 16p12.1.
Variant type: single nucleotide variant.
Coding change: c.454G>A on transcript NM_015202.5 (MANE Select); coding-DNA position 454, G replaced by A.
Protein change: p.Glu152Lys; replaces glutamic acid 152 with lysine.
Molecular consequence: missense variant.
Genome position (GRCh38, 1-based): chr16:27,648,649, G>A. VCF-style: chr16-27648649-G-A. GRCh37 (hg19) VCF-style: chr16-27659970-G-A.
Other names: short protein forms E152K.
Identifiers: ClinVar variation 2117153 (VCV002117153.4), dbSNP rs1597054925, ClinGen allele CA395314606.